The following is an entry in ClinVar:

NM_014629.4(ARHGEF10):c.2085C>A (p.Ser695Arg)

Gene: ARHGEF10 (Rho guanine nucleotide exchange factor 10; plus strand). Cytogenetic location: 8p23.3.
Variant type: single nucleotide variant.
Coding change: c.2085C>A on transcript NM_014629.4 (MANE Select); coding-DNA position 2085, C replaced by A.
Protein change: p.Ser695Arg; replaces serine 695 with arginine.
Molecular consequence: missense variant.
Genome position (GRCh38, 1-based): chr8:1,909,412, C>A. VCF-style: chr8-1909412-C-A. GRCh37 (hg19) VCF-style: chr8-1857578-C-A.
Other names: c.1971C>A, p.Ser657Arg (NM_001308152.2); c.2085C>A, p.Ser695Arg (NM_001308153.3); short protein forms S657R, S695R, S719R.
Identifiers: ClinVar variation 2077230 (VCV002077230.6), dbSNP rs201919004, ClinGen allele CA4600706.

ClinVar aggregate classification (germline): Uncertain significance. Review status: criteria provided, multiple submitters, no conflicts (2 of 4 stars). 2 submissions from 2 submitters: Uncertain significance (2). Last evaluated 2026-01-13.

Allele frequency attached by ClinVar (database versions not stated): ExAC 0.00012; ESP Exome Variant Server 0.00015; gnomAD 0.00015; TOPMed 0.00015.
gnomAD v4.1: 148 of 1,614,056 alleles (0.0092%); highest among the groups gnomAD compares: Middle Eastern, 0.016%; no homozygotes.

Submissions (2):

Labcorp Genetics (formerly Invitae), Labcorp
Classification: Uncertain significance. Last evaluated: 2026-01-13. Review status: criteria provided, single submitter. Criteria: Invitae Variant Classification Sherloc (09022015). Collection method: clinical testing. Allele origin: germline.
Comment: This sequence change replaces serine, which is neutral and polar, with arginine, which is basic and polar, at codon 695 of the ARHGEF10 protein (p.Ser695Arg). This variant is present in population databases (rs201919004, gnomAD 0.02%). This variant has not been reported in the literature in individuals affected with ARHGEF10-related conditions. ClinVar contains an entry for this variant (Variation ID: 2077230). Invitae Evidence Modeling of protein sequence and biophysical properties (such as structural, functional, and spatial information, amino acid conservation, physicochemical variation, residue mobility, and thermodynamic stability) indicates that this missense variant is not expected to disrupt ARHGEF10 protein function with a negative predictive value of 80%. In summary, the available evidence is currently insufficient to determine the role of this variant in disease. Therefore, it has been classified as a Variant of Uncertain Significance.

Women's Health and Genetics/Laboratory Corporation of America, LabCorp
Classification: Uncertain significance. Last evaluated: 2024-11-25. Review status: criteria provided, single submitter. Criteria: LabCorp Variant Classification Summary - May 2015. Collection method: clinical testing. Allele origin: germline.
Comment: Variant summary: ARHGEF10 c.2085C>A (p.Ser695Arg) results in a non-conservative amino acid change in the encoded protein sequence. Four of five in-silico tools predict a benign effect of the variant on protein function. The variant allele was found at a frequency of 8.8e-05 in 251414 control chromosomes (gnomAD). This frequency is not significantly higher than estimated for a pathogenic variant in ARHGEF10 causing Autosomal dominant slowed nerve conduction velocity, allowing no conclusion about variant significance. c.2085C>A has been reported in the literature in a study including individuals with Inherited peripheral neuropathy as a well as unaffected controls without clinical information about the individuals (Schabhttl_2014). This report does not provide unequivocal conclusions about association of the variant with Autosomal dominant slowed nerve conduction velocity. To our knowledge, no experimental evidence demonstrating an impact on protein function has been reported. The following publication has been ascertained in the context of this evaluation (PMID: 24627108). ClinVar contains an entry for this variant (Variation ID: 2077230). Based on the evidence outlined above, the variant was classified as uncertain significance.

Literature cited by the submitters: PubMed 24627108 (cited by Women's Health and Genetics/Laboratory Corporation of America, LabCorp).